The following is an entry in ClinVar:

ClinVar aggregate classification (germline): Uncertain significance (1 of 4 stars; one submission).

Conditions:
Gastrointestinal stromal tumor. Also called: Gastrointestinal stroma tumor; Gastrointestinal stromal tumor, somatic. Identifiers: Orphanet 44890, MedGen C0238198, MeSH D046152, MONDO:0011719, OMIM 606764, HP:0100723.

Allele frequency attached by ClinVar (database versions not stated): TOPMed below 0.00001; gnomAD 0.00001; gnomAD exomes 0.00001.

Submission:

Labcorp Genetics (formerly Invitae), Labcorp
Classification: Uncertain significance for Gastrointestinal stromal tumor. Last evaluated: 2024-10-09. Review status: criteria provided, single submitter. Criteria: Invitae Variant Classification Sherloc (09022015). Collection method: clinical testing. Allele origin: germline.
Comment: This sequence change replaces valine, which is neutral and non-polar, with aspartic acid, which is acidic and polar, at codon 721 of the PDGFRA protein (p.Val721Asp). This variant is not present in population databases (gnomAD no frequency). This variant has not been reported in the literature in individuals affected with PDGFRA-related conditions. ClinVar contains an entry for this variant (Variation ID: 1464873). Invitae Evidence Modeling of protein sequence and biophysical properties (such as structural, functional, and spatial information, amino acid conservation, physicochemical variation, residue mobility, and thermodynamic stability) indicates that this missense variant is not expected to disrupt PDGFRA protein function with a negative predictive value of 80%. In summary, the available evidence is currently insufficient to determine the role of this variant in disease. Therefore, it has been classified as a Variant of Uncertain Significance.

NM_006206.6(PDGFRA):c.2162T>A (p.Val721Asp)

Gene: PDGFRA (platelet derived growth factor receptor alpha; plus strand). Cytogenetic location: 4q12.
Variant type: single nucleotide variant.
Coding change: c.2162T>A on transcript NM_006206.6 (MANE Select); coding-DNA position 2162, T replaced by A.
Protein change: p.Val721Asp; replaces valine 721 with aspartic acid.
Molecular consequence: missense variant.
Genome position (GRCh38, 1-based): chr4:54,280,321, T>A. VCF-style: chr4-54280321-T-A. GRCh37 (hg19) VCF-style: chr4-55146488-T-A.
Other names: c.2162T>A, p.Val721Asp (NM_001347827.2, NM_001347829.2); c.2237T>A, p.Val746Asp (NM_001347828.2); c.2201T>A, p.Val734Asp (NM_001347830.2); short protein forms V721D, V746D, V734D.
Identifiers: ClinVar variation 1464873 (VCV001464873.8), dbSNP rs1723999711, ClinGen allele CA356894196.